The following is an entry in ClinVar:

ClinVar aggregate classification (germline): Benign. Review status: criteria provided, multiple submitters, no conflicts (2 of 4 stars). 4 submissions from 3 submitters: Benign (3). 1 of the submissions does not count toward it. Last evaluated 2024-11-27.

Submissions (4):

Blueprint Genetics
Classification: Benign. Last evaluated: 2024-11-27. Review status: criteria provided, single submitter. Criteria: ACMG Guidelines, 2015. Collection method: clinical testing. Allele origin: germline.

Mayo Clinic Laboratories, Mayo Clinic
Classification: Benign. Last evaluated: 2022-03-31. Review status: criteria provided, single submitter. Criteria: ACMG Guidelines, 2015. Collection method: clinical testing. Allele origin: germline. Observed: 94 variant alleles.

GeneDx
Classification: Benign. Last evaluated: 2016-01-29. Review status: criteria provided, single submitter. Criteria: GeneDx Variant Classification (06012015). Collection method: clinical testing. Allele origin: germline. Affected: yes.
Comment: This variant is considered likely benign or benign based on one or more of the following criteria: it is a conservative change, it occurs at a poorly conserved position in the protein, it is predicted to be benign by multiple in silico algorithms, and/or has population frequency not consistent with disease.

GeneDx
Classification: Benign. Last evaluated: 2013-07-09. Review status: flagged submission. Criteria: GeneDx Variant Classification (06012015). Collection method: clinical testing. Allele origin: germline. Affected: yes. Not counted in ClinVar's aggregate classification.
Comment: The variant is found in ACSF3 panel(s).
ClinVar note: Reason: This record appears to be redundant with a more recent record from the same submitter.
ClinVar note: Notes: SCV000238674 appears to be redundant with SCV000566659.

NM_001243279.3(ACSF3):c.-14_-13insCCAGGAGGCTCCCGGGAGC

Gene: ACSF3 (acyl-CoA synthetase family member 3; plus strand). Cytogenetic location: 16q24.3.
Variant type: Insertion.
Coding change: c.-14_-13insCCAGGAGGCTCCCGGGAGC on transcript NM_001243279.3 (MANE Select); 14 bases upstream of the start codon through 13 bases upstream of the start codon, CCAGGAGGCTCCCGGGAGC inserted.
Molecular consequence: 5 prime UTR variant. On other transcripts: non-coding transcript variant (3), intron variant (1).
Genome position: GRCh38 VCF-style: chr16-89100667-C-CCCCAGGAGGCTCCCGGGAG. GRCh37 (hg19) VCF-style: chr16-89167075-C-CCCCAGGAGGCTCCCGGGAG.
Other names: c.-14_-13insCCAGGAGGCTCCCGGGAGC (NM_001127214.4, NM_174917.5); c.-129-1936_-129-1935insCCAGGAGGCTCCCGGGAGC (NM_001284316.2).
Identifiers: ClinVar variation 203598 (VCV000203598.3), dbSNP rs11273288, ClinGen allele CA312296.